The following is an entry in ClinVar:

ClinVar aggregate classification (germline): Pathogenic (1 of 4 stars; one submission).

Allele frequency attached by ClinVar (database versions not stated): gnomAD exomes below 0.00001; TOPMed below 0.00001.

Submission:

Labcorp Genetics (formerly Invitae), Labcorp
Classification: Pathogenic. Last evaluated: 2022-10-31. Review status: criteria provided, single submitter. Criteria: Invitae Variant Classification Sherloc (09022015). Collection method: clinical testing. Allele origin: germline.
Comment: This variant is present in population databases (no rsID available, gnomAD 0.007%). This sequence change creates a premature translational stop signal (p.Glu140Glyfs*6) in the TRMU gene. It is expected to result in an absent or disrupted protein product. Loss-of-function variants in TRMU are known to be pathogenic (PMID: 19732863, 23625533). This variant has not been reported in the literature in individuals affected with TRMU-related conditions. ClinVar contains an entry for this variant (Variation ID: 1454736). For these reasons, this variant has been classified as Pathogenic.

Literature cited by the submitters: PubMed 19732863; PubMed 23625533.

NM_018006.5(TRMU):c.418dup (p.Glu140fs)

Gene: TRMU (tRNA mitochondrial 2-thiouridylase; plus strand). Cytogenetic location: 22q13.31.
Variant type: Duplication.
Coding change: c.418dup on transcript NM_018006.5 (MANE Select); coding-DNA position 418, one base duplicated (G; older notation c.418dupG).
Protein change: p.Glu140fs; shifts the reading frame from glutamic acid 140.
Molecular consequence: frameshift variant. On other transcripts: non-coding transcript variant (2).
Genome position (GRCh38, 1-based): chr22:46,346,484, G duplicated. VCF-style (leftmost placement, unchanged base first): chr22-46346483-T-TG. GRCh37 (hg19) VCF-style: chr22-46742380-T-TG.
Other names: c.76dup, p.Glu26fs (NM_001282782.2); c.57dup, p.Ser20fs (NM_001282783.2, NM_001282784.2); c.418dup, p.Glu140fs (NM_001282785.2); short protein forms S20fs, E140fs, E26fs.
Identifiers: ClinVar variation 1454736 (VCV001454736.6), dbSNP rs1447532733, ClinGen allele CA639644632.